The following is an entry in ClinVar:

ClinVar aggregate classification (germline): Pathogenic/Likely pathogenic. Review status: criteria provided, multiple submitters, no conflicts (2 of 4 stars). 2 submissions from 2 submitters: Pathogenic (1); Likely pathogenic (1). Last evaluated 2026-04-16.

Conditions:
ABCA4-related disorder. Also called: ABCA4-related disorders; ABCA4-related condition. Identifiers: MedGen CN239167.

Submissions (2):

PreventionGenetics, part of Exact Sciences
Classification: Likely pathogenic for ABCA4-related condition. Last evaluated: 2026-04-16. Review status: criteria provided, single submitter. Criteria: ACMG Guidelines, 2015. Collection method: clinical testing. Allele origin: germline.
Comment: The ABCA4 c.1913C>T variant is predicted to result in the amino acid substitution p.Pro638Leu. This variant has been reported along with a second presumably causative variant in individuals with Stargardt disease (Table S1, Stone et al. 2017. PubMed ID: 28559085; Table S1, Lin et al. 2024. PubMed ID: 38219857). A study of the frequency of this variant in affected individuals versus the general population has classified this variant as 'severe' (Table S2A, Cornelis et al. 2022. PubMed ID: 35120629). An alternate substitution of this amino acid residue (p.Pro638Ser) has been reported along with a nonsense variant in an individual with macular dystrophy (Table S2, Weisschuh et al. 2020. PubMed ID: 32531858). This variant is absent in a large population database (gnomAD), indicating this variant is rare. This variant is interpreted as likely pathogenic.

Labcorp Genetics (formerly Invitae), Labcorp
Classification: Pathogenic. Last evaluated: 2024-05-30. Review status: criteria provided, single submitter. Criteria: Invitae Variant Classification Sherloc (09022015). Collection method: clinical testing. Allele origin: germline.
Comment: This sequence change replaces proline, which is neutral and non-polar, with leucine, which is neutral and non-polar, at codon 638 of the ABCA4 protein (p.Pro638Leu). This variant is not present in population databases (gnomAD no frequency). This missense change has been observed in individual(s) with Stargardt disease (PMID: 28559085; Invitae). In at least one individual the data is consistent with being in trans (on the opposite chromosome) from a pathogenic variant. ClinVar contains an entry for this variant (Variation ID: 1044852). Advanced modeling of protein sequence and biophysical properties (such as structural, functional, and spatial information, amino acid conservation, physicochemical variation, residue mobility, and thermodynamic stability) performed at Invitae indicates that this missense variant is expected to disrupt ABCA4 protein function with a positive predictive value of 95%. For these reasons, this variant has been classified as Pathogenic.

Literature cited by the submitters: PubMed 28559085 (cited by Labcorp Genetics (formerly Invitae), Labcorp).

NM_000350.3(ABCA4):c.1913C>T (p.Pro638Leu)

Gene: ABCA4 (ATP binding cassette subfamily A member 4; minus strand). Cytogenetic location: 1p22.1.
Variant type: single nucleotide variant.
Coding change: c.1913C>T on transcript NM_000350.3 (MANE Select); coding-DNA position 1913, C replaced by T.
Protein change: p.Pro638Leu; replaces proline 638 with leucine.
Molecular consequence: missense variant.
Genome position (GRCh38, 1-based): chr1:94,062,601, G>A on the plus strand (C>T on the coding strand, the complement: ABCA4 is on the minus strand). VCF-style: chr1-94062601-G-A. GRCh37 (hg19) VCF-style: chr1-94528157-G-A.
Other names: c.1913C>T (NM_000350.2); c.1913C>T, p.Pro638Leu (NM_001425324.1); short protein forms P638L.
Identifiers: ClinVar variation 1044852 (VCV001044852.9), dbSNP rs1440824352, ClinGen allele CA341279262.
Genomic context (GRCh38, chr1:94,062,601, plus strand): 5'-CGTGTCATGGAGGAGGATCGCGAACTTCAGACTCACGAATCGTCCACGAAGCAGGGGTAG[G>A]GCATCTGCTGGAGGTAGATTCCAACTGGAGCCTCCGCCTGCACCTGGCTCCTTGTGATCC-3'
Protein context (NP_000341.2, residues 628-648): APVGIYLQQM[Pro638Leu]YPCFVDDSFM